The following is an entry in ClinVar:

ClinVar aggregate classification (germline): Uncertain significance (1 of 4 stars; one submission).

Conditions:
Hereditary cancer-predisposing syndrome. Also called: Neoplastic Syndromes, Hereditary; Tumor predisposition; Hereditary Cancer Syndrome; Hereditary neoplastic syndrome. Identifiers: Orphanet 140162, MedGen C0027672, MeSH D009386, MONDO:0015356.

Submission:

Ambry Genetics
Classification: Uncertain significance for Hereditary cancer-predisposing syndrome. Last evaluated: 2025-06-15. Review status: criteria provided, single submitter. Criteria: Ambry Variant Classification Scheme 2023. Collection method: clinical testing. Allele origin: germline.
Comment: The p.P121R variant (also known as c.362C>G), located in coding exon 3 of the SMARCA4 gene, results from a C to G substitution at nucleotide position 362. The proline at codon 121 is replaced by arginine, an amino acid with dissimilar properties. This amino acid position is conserved. In addition, the in silico prediction for this alteration is inconclusive. Based on the available evidence, the clinical significance of this variant remains unclear.

NM_003072.5(SMARCA4):c.362C>G (p.Pro121Arg)

Gene: SMARCA4 (SWI/SNF related BAF chromatin remodeling complex subunit ATPase 4; plus strand). Cytogenetic location: 19p13.2.
Variant type: single nucleotide variant.
Coding change: c.362C>G on transcript NM_003072.5 (MANE Select); coding-DNA position 362, C replaced by G.
Protein change: p.Pro121Arg; replaces proline 121 with arginine.
Molecular consequence: missense variant. On other transcripts: non-coding transcript variant (1).
Genome position (GRCh38, 1-based): chr19:10,986,195, C>G. VCF-style: chr19-10986195-C-G. GRCh37 (hg19) VCF-style: chr19-11096871-C-G.
Other names: c.362C>G, p.Pro121Arg (NM_001387283.1, NM_001411150.1, NM_001128844.3 and 6 more transcripts); short protein forms P121R.
Identifiers: ClinVar variation 4170133 (VCV004170133.1).